The following is an entry in ClinVar:

NM_000414.4(HSD17B4):c.1438-1G>C

Gene: HSD17B4 (hydroxysteroid 17-beta dehydrogenase 4; plus strand). Cytogenetic location: 5q23.1.
Variant type: single nucleotide variant.
Coding change: c.1438-1G>C on transcript NM_000414.4 (MANE Select); the canonical splice acceptor site of the intron before coding-DNA position 1438, G replaced by C.
Molecular consequence: splice acceptor variant.
Genome position (GRCh38, 1-based): chr5:119,514,980, G>C. VCF-style: chr5-119514980-G-C. GRCh37 (hg19) VCF-style: chr5-118850675-G-C.
Other names: c.1027-1G>C (NM_001374503.1, NM_001374502.1, NM_001374501.1); c.1513-1G>C (NM_001199291.3); c.1111-1G>C (NM_001374499.1); c.997-1G>C (NM_001374500.1); c.1018-1G>C (NM_001292028.2); c.1366-1G>C (NM_001292027.2, NM_001374498.1); c.1429-1G>C (NM_001374497.1); c.1384-1G>C (NM_001199292.2).
Identifiers: ClinVar variation 2036315 (VCV002036315.4), dbSNP rs1554067009, ClinGen allele CA360868887.

ClinVar aggregate classification (germline): Likely pathogenic (1 of 4 stars; one submission).

Conditions:
Bifunctional peroxisomal enzyme deficiency (DBIF). Also called: D-bifunctional protein deficiency; DBP DEFICIENCY; PBFE DEFICIENCY. Identifiers: Orphanet 300, MedGen C0342870, MONDO:0009855, OMIM 261515. Disease mechanism: loss of function.
Perrault syndrome. Also called: Gonadal dysgenesis with auditory dysfunction, autosomal recessive inheritance. Identifiers: Orphanet 2855, MedGen C0685838, MONDO:0017312.

Submission:

Labcorp Genetics (formerly Invitae), Labcorp
Classification: Likely pathogenic for Perrault syndrome; Bifunctional peroxisomal enzyme deficiency. Last evaluated: 2023-02-07. Review status: criteria provided, single submitter. Criteria: Invitae Variant Classification Sherloc (09022015). Collection method: clinical testing. Allele origin: germline.
Comment: In summary, the currently available evidence indicates that the variant is pathogenic, but additional data are needed to prove that conclusively. Therefore, this variant has been classified as Likely Pathogenic. Algorithms developed to predict the effect of sequence changes on RNA splicing suggest that this variant may disrupt the consensus splice site. This variant has not been reported in the literature in individuals affected with HSD17B4-related conditions. This variant is not present in population databases (gnomAD no frequency). This sequence change affects an acceptor splice site in intron 16 of the HSD17B4 gene. It is expected to disrupt RNA splicing. Variants that disrupt the donor or acceptor splice site typically lead to a loss of protein function (PMID: 16199547), and loss-of-function variants in HSD17B4 are known to be pathogenic (PMID: 11810648, 16385454, 20673864).

Literature cited by the submitters: PubMed 16199547; PubMed 11810648; PubMed 16385454; PubMed 20673864.